The following is an entry in ClinVar:

NM_182641.4(BPTF):c.429GGA[5] (p.Glu148del)

Genes: BPTF (bromodomain PHD finger transcription factor; plus strand), LOC130061496 (ATAC-STARR-seq lymphoblastoid active region 12632; plus strand). Cytogenetic location: 17q24.2.
Variant type: Microsatellite.
Coding change: c.429GGA[5] on transcript NM_182641.4 (MANE Select); five copies in a row of the 3-base unit GGA starting at c.429; the reference has six copies in a row; one copy, 3 bases deleted.
Protein change: p.Glu148del; deletes glutamic acid 148.
Molecular consequence: inframe deletion.
Genome position (GRCh38, 1-based): chr17:67,826,168-67,826,170, GGA deleted; deleting any 3 consecutive bases within chr17:67,826,151-67,826,170 gives the same sequence; the position shown is the placement nearest the transcript's 3' end. VCF-style (leftmost placement, unchanged base first): chr17-67826150-CGAG-C. GRCh37 (hg19) VCF-style: chr17-65822266-CGAG-C.
Other names: c.444_446delGGA (NM_182641.3); c.429GGA[5], p.Glu148del (NM_004459.7); short protein forms E148del.
Identifiers: ClinVar variation 2855584 (VCV002855584.6), dbSNP rs751039972, ClinGen allele CA8724971.

ClinVar aggregate classification (germline): Likely benign. Review status: criteria provided, multiple submitters, no conflicts (2 of 4 stars). 3 submissions from 3 submitters: Likely benign (2). 1 of the submissions does not count toward it. Last evaluated 2025-10-23.

Conditions:
BPTF-related disorder. Also called: BPTF-related condition.

Submissions (3):

Labcorp Genetics (formerly Invitae), Labcorp
Classification: Likely benign. Last evaluated: 2025-10-23. Review status: criteria provided, single submitter. Criteria: Invitae Variant Classification Sherloc (09022015). Collection method: clinical testing. Allele origin: germline.

Blueprint Genetics
Classification: Likely benign. Last evaluated: 2024-11-25. Review status: criteria provided, single submitter. Criteria: ACMG Guidelines, 2015. Collection method: clinical testing. Allele origin: germline.

PreventionGenetics, part of Exact Sciences
Classification: Likely benign for BPTF-related condition. Last evaluated: 2021-09-17. Review status: no assertion criteria provided. Collection method: clinical testing. Allele origin: germline. Not counted in ClinVar's aggregate classification.
Comment: This variant is classified as likely benign based on ACMG/AMP sequence variant interpretation guidelines (Richards et al. 2015 PMID: 25741868, with internal and published modifications).